The following is an entry in ClinVar:

ClinVar aggregate classification (germline): Uncertain significance (1 of 4 stars; one submission).

Allele frequency attached by ClinVar (database versions not stated): gnomAD exomes 0.00001; ExAC 0.00002.
gnomAD v4.1: 4 of 1,613,918 alleles (0.00025%); highest among the groups gnomAD compares: Admixed American, 0.0067%; no homozygotes.

Submission:

Labcorp Genetics (formerly Invitae), Labcorp
Classification: Uncertain significance. Last evaluated: 2022-03-01. Review status: criteria provided, single submitter. Criteria: Invitae Variant Classification Sherloc (09022015). Collection method: clinical testing. Allele origin: germline.
Comment: This sequence change replaces asparagine, which is neutral and polar, with serine, which is neutral and polar, at codon 1021 of the DNA2 protein (p.Asn1021Ser). This variant is present in population databases (rs756640922, gnomAD 0.01%). In summary, the available evidence is currently insufficient to determine the role of this variant in disease. Therefore, it has been classified as a Variant of Uncertain Significance. Algorithms developed to predict the effect of sequence changes on RNA splicing suggest that this variant may create or strengthen a splice site. Algorithms developed to predict the effect of missense changes on protein structure and function output the following: SIFT: "Tolerated"; PolyPhen-2: "Not Available"; Align-GVGD: "Class C0". The serine amino acid residue is found in multiple mammalian species, which suggests that this missense change does not adversely affect protein function. This variant has not been reported in the literature in individuals affected with DNA2-related conditions.

NM_001080449.3(DNA2):c.3062A>G (p.Asn1021Ser)

Gene: DNA2 (DNA replication helicase/nuclease 2; minus strand). Cytogenetic location: 10q21.3.
Variant type: single nucleotide variant.
Coding change: c.3062A>G on transcript NM_001080449.3 (MANE Select); coding-DNA position 3062, A replaced by G.
Protein change: p.Asn1021Ser; replaces asparagine 1021 with serine.
Molecular consequence: missense variant. On other transcripts: non-coding transcript variant (1).
Genome position (GRCh38, 1-based): chr10:68,416,761, T>C on the plus strand (A>G on the coding strand, the complement: DNA2 is on the minus strand). VCF-style: chr10-68416761-T-C. GRCh37 (hg19) VCF-style: chr10-70176518-T-C.
Other names: short protein forms N1021S.
Identifiers: ClinVar variation 2040913 (VCV002040913.4), dbSNP rs756640922, ClinGen allele CA5524671.
Genomic context (GRCh38, chr10:68,416,761, plus strand): 5'-AAGGATATTAATTTTTCTGAGTTTAAATGATTAAGCAGCTTCTCCAAAGGAGGATAGCAA[T>C]TTAGTGAGGGCACACACCCCAGAAGAATCAGTTTATGTTTGGCTCTGGTTATAGCAACAT-3'
Protein context (NP_001073918.2, residues 1011-1031): LILLGCVPSL[Asn1021Ser]CYPPLEKLLN